The following is an entry in ClinVar:

ClinVar aggregate classification (germline): Uncertain significance (1 of 4 stars; one submission).

Conditions:
Cryopyrin associated periodic syndrome (CAPS). Identifiers: Orphanet 208650, MedGen C2316212, MONDO:0016168.

gnomAD v4.1: 1 of 1,613,366 alleles (0.000062%); highest among the groups gnomAD compares: Non-Finnish European, 0.000085%; no homozygotes.

Submission:

Labcorp Genetics (formerly Invitae), Labcorp
Classification: Uncertain significance for Cryopyrin associated periodic syndrome. Last evaluated: 2025-09-24. Review status: criteria provided, single submitter. Criteria: Invitae Variant Classification Sherloc (09022015). Collection method: clinical testing. Allele origin: germline.
Comment: This sequence change replaces proline, which is neutral and non-polar, with serine, which is neutral and polar, at codon 554 of the NLRP3 protein (p.Pro554Ser). This variant is not present in population databases (gnomAD no frequency). This variant has not been reported in the literature in individuals affected with NLRP3-related conditions. Invitae Evidence Modeling of protein sequence and biophysical properties (such as structural, functional, and spatial information, amino acid conservation, physicochemical variation, residue mobility, and thermodynamic stability) has been performed for this missense variant. However, the output from this modeling did not meet the statistical confidence thresholds required to predict the impact of this variant on NLRP3 protein function. In summary, the available evidence is currently insufficient to determine the role of this variant in disease. Therefore, it has been classified as a Variant of Uncertain Significance.

NM_001243133.2(NLRP3):c.1654C>T (p.Pro552Ser)

Gene: NLRP3 (NLR family pyrin domain containing 3; plus strand). Cytogenetic location: 1q44.
Variant type: single nucleotide variant.
Coding change: c.1654C>T on transcript NM_001243133.2 (MANE Select); coding-DNA position 1654, C replaced by T.
Protein change: p.Pro552Ser; replaces proline 552 with serine.
Molecular consequence: missense variant.
Genome position (GRCh38, 1-based): chr1:247,425,103, C>T. VCF-style: chr1-247425103-C-T. GRCh37 (hg19) VCF-style: chr1-247588405-C-T.
Other names: c.1654C>T, p.Pro552Ser (NM_001079821.3, NM_001127461.3, NM_001127462.3 and 1 more transcripts); c.1660C>T, p.Pro554Ser (NM_004895.5); short protein forms P552S, P554S.
Identifiers: ClinVar variation 4800146 (VCV004800146.1).